The following is an entry in ClinVar:

NM_020207.7(ERCC6L2):c.2780G>T (p.Gly927Val)

Gene: ERCC6L2 (ERCC excision repair 6 like 2; plus strand). Cytogenetic location: 9q22.32.
Variant type: single nucleotide variant.
Coding change: c.2780G>T on transcript NM_020207.7 (MANE Select); coding-DNA position 2780, G replaced by T.
Protein change: p.Gly927Val; replaces glycine 927 with valine.
Molecular consequence: missense variant. On other transcripts: non-coding transcript variant (1).
Genome position (GRCh38, 1-based): chr9:95,972,531, G>T. VCF-style: chr9-95972531-G-T. GRCh37 (hg19) VCF-style: chr9-98734813-G-T.
Other names: c.2780G>T, p.Gly927Val (NM_001375291.1, NM_001375292.1, NM_001375293.1 and 1 more transcripts); short protein forms G927V.
Identifiers: ClinVar variation 1363018 (VCV001363018.6), dbSNP rs1230006372, ClinGen allele CA868838396.
Genomic context (GRCh38, chr9:95,972,531, plus strand): 5'-CACAATACACAACTGAGAGATTCCCCGACAATAGTATAAGGTTTAAGCCACCCTTGGAAG[G>T]ATCTGAGGATTCTGAAACAGAACACACTGTAAAAACAAGAAATAATGATAATAGTCGAAA-3'
Protein context (NP_064592.3, residues 917-937): NSIRFKPPLE[Gly927Val]SEDSETEHTV

ClinVar aggregate classification (germline): Uncertain significance (1 of 4 stars; one submission).

Allele frequency attached by ClinVar (database versions not stated): TOPMed below 0.00001; gnomAD 0.00001.
gnomAD v4.1: 3 of 1,289,830 alleles (0.00023%); highest among the groups gnomAD compares: Non-Finnish European, 0.0003%; no homozygotes.

Submission:

Labcorp Genetics (formerly Invitae), Labcorp
Classification: Uncertain significance. Last evaluated: 2021-08-04. Review status: criteria provided, single submitter. Criteria: Invitae Variant Classification Sherloc (09022015). Collection method: clinical testing. Allele origin: germline.
Comment: In summary, the available evidence is currently insufficient to determine the role of this variant in disease. Therefore, it has been classified as a Variant of Uncertain Significance. This sequence change replaces glycine with valine at codon 938 of the ERCC6L2 protein (p.Gly938Val). The glycine residue is weakly conserved and there is a moderate physicochemical difference between glycine and valine. The frequency data for this variant in the population databases is considered unreliable, as metrics indicate insufficient coverage at this position in the ExAC database. This variant has not been reported in the literature in individuals affected with ERCC6L2-related conditions. Algorithms developed to predict the effect of missense changes on protein structure and function are either unavailable or do not agree on the potential impact of this missense change (SIFT: "Tolerated"; PolyPhen-2: "Not Available"; Align-GVGD: "Class C0"). Algorithms developed to predict the effect of sequence changes on RNA splicing suggest that this variant may create or strengthen a splice site.